The following is an entry in ClinVar:

NM_002474.3(MYH11):c.330C>T (p.Phe110=)

Gene: MYH11 (myosin heavy chain 11; minus strand). Cytogenetic location: 16p13.11.
Variant type: single nucleotide variant.
Coding change: c.330C>T on transcript NM_002474.3 (MANE Select); coding-DNA position 330, C replaced by T.
Protein change: p.Phe110=; no amino-acid change (phenylalanine 110 retained).
Molecular consequence: synonymous variant.
Genome position (GRCh38, 1-based): chr16:15,837,923, G>A on the plus strand (C>T on the coding strand, the complement: MYH11 is on the minus strand). VCF-style: chr16-15837923-G-A. GRCh37 (hg19) VCF-style: chr16-15931780-G-A.
Other names: c.330C>T, p.Phe110= (NM_001040113.2, NM_001040114.2, NM_022844.3).
Identifiers: ClinVar variation 1152337 (VCV001152337.10), dbSNP rs2151381240, ClinGen allele CA493885931.

ClinVar aggregate classification (germline): Likely benign. Review status: criteria provided, multiple submitters, no conflicts (2 of 4 stars). 2 submissions from 2 submitters: Likely benign (2). Last evaluated 2023-05-16.

Conditions:
Familial thoracic aortic aneurysm and aortic dissection (TAAD). Also called: Thoracic aortic aneurysms and dissections. Identifiers: Orphanet 91387, MedGen C4707243, MONDO:0019625.
Aortic aneurysm, familial thoracic 4 (AAT4). Also called: AORTIC ANEURYSM/AORTIC DISSECTION AND PATENT DUCTUS ARTERIOSUS. Identifiers: MedGen C1851504, MONDO:0007568, OMIM 132900.

Submissions (2):

All of Us Research Program, National Institutes of Health
Classification: Likely benign for Familial thoracic aortic aneurysm and aortic dissection. Last evaluated: 2023-05-16. Review status: criteria provided, single submitter. Criteria: ACMG Guidelines, 2015. Collection method: clinical testing. Allele origin: germline. Inheritance: Autosomal dominant inheritance. Observed: 1 variant allele, 1 heterozygote.
Comment: This study involves interpretation of variants in research participants for the purpose of population health screening. Participant phenotype was not available at the time of variant classification. Additional details can be found in publication PMID: 35346344, PMCID: PMC8962531

Labcorp Genetics (formerly Invitae), Labcorp
Classification: Likely benign for Aortic aneurysm, familial thoracic 4. Last evaluated: 2022-07-26. Review status: criteria provided, single submitter. Criteria: Invitae Variant Classification Sherloc (09022015). Collection method: clinical testing. Allele origin: germline.